The following is an entry in ClinVar:

NM_003922.4(HERC1):c.4666A>G (p.Ser1556Gly)

Gene: HERC1 (HECT and RLD domain containing E3 ubiquitin protein ligase family member 1; minus strand). Cytogenetic location: 15q22.31.
Variant type: single nucleotide variant.
Coding change: c.4666A>G on transcript NM_003922.4 (MANE Select); coding-DNA position 4666, A replaced by G.
Protein change: p.Ser1556Gly; replaces serine 1556 with glycine.
Molecular consequence: missense variant.
Genome position (GRCh38, 1-based): chr15:63,698,967, T>C on the plus strand (A>G on the coding strand, the complement: HERC1 is on the minus strand). VCF-style: chr15-63698967-T-C. GRCh37 (hg19) VCF-style: chr15-63991166-T-C.
Other names: short protein forms S1556G.
Identifiers: ClinVar variation 3701082 (VCV003701082.2).

ClinVar aggregate classification (germline): Uncertain significance (1 of 4 stars; one submission).

gnomAD v4.1: 2 of 1,613,326 alleles (0.00012%); highest among the groups gnomAD compares: East Asian, 0.0045%; no homozygotes.

Submission:

Labcorp Genetics (formerly Invitae), Labcorp
Classification: Uncertain significance. Last evaluated: 2024-02-01. Review status: criteria provided, single submitter. Criteria: Invitae Variant Classification Sherloc (09022015). Collection method: clinical testing. Allele origin: germline.
Comment: This sequence change replaces serine, which is neutral and polar, with glycine, which is neutral and non-polar, at codon 1556 of the HERC1 protein (p.Ser1556Gly). This variant is present in population databases (no rsID available, gnomAD 0.01%). This variant has not been reported in the literature in individuals affected with HERC1-related conditions. Advanced modeling of protein sequence and biophysical properties (such as structural, functional, and spatial information, amino acid conservation, physicochemical variation, residue mobility, and thermodynamic stability) performed at Invitae indicates that this missense variant is not expected to disrupt HERC1 protein function with a negative predictive value of 80%. In summary, the available evidence is currently insufficient to determine the role of this variant in disease. Therefore, it has been classified as a Variant of Uncertain Significance.